The following is an entry in ClinVar:

NM_001458.5(FLNC):c.6015C>T (p.Phe2005=)

Genes: FLNC (filamin C; plus strand), FLNC-AS1 (FLNC antisense RNA 1; minus strand). Cytogenetic location: 7q32.1.
Variant type: single nucleotide variant.
Coding change: c.6015C>T on transcript NM_001458.5 (MANE Select); coding-DNA position 6015, C replaced by T.
Protein change: p.Phe2005=; no amino-acid change (phenylalanine 2005 retained).
Molecular consequence: synonymous variant.
Genome position (GRCh38, 1-based): chr7:128,852,838, C>T. VCF-style: chr7-128852838-C-T. GRCh37 (hg19) VCF-style: chr7-128492892-C-T.
Other names: c.5916C>T, p.Phe1972= (NM_001127487.2).
Identifiers: ClinVar variation 539459 (VCV000539459.14), dbSNP rs771715893, ClinGen allele CA4475870.
Genomic context (GRCh38, chr7:128,852,838, plus strand): 5'-TCAGGGGTGGGGGCCCACAGGATGCTCTGCCTAACACCCACTTTCCACAGGGATCTCCTT[C>T]ACCCCCAAGGAGGTCGGGGAGCACGTGGTGAGCGTGCGCAAGAGTGGCAAGCATGTCACC-3'
Protein context (NP_001449.3, residues 1995-2015): RLPNRHIGIS[Phe2005=]TPKEVGEHVV

ClinVar aggregate classification (germline): Conflicting classifications of pathogenicity. Review status: criteria provided, conflicting classifications (1 of 4 stars). 3 submissions from 3 submitters: Uncertain significance (1); Likely benign (2). Last evaluated 2025-11-19.

Conditions:
Myofibrillar myopathy 5. Also called: Filaminopathy (type); FILAMINOPATHY, AUTOSOMAL DOMINANT. Identifiers: Orphanet 171445, MedGen C1836050, MONDO:0012289, OMIM 609524.
Distal myopathy with posterior leg and anterior hand involvement. Also called: WILLIAMS DISTAL MYOPATHY. Identifiers: Orphanet 63273, MedGen C3279722, MONDO:0013550, OMIM 614065.
Hypertrophic cardiomyopathy 26. Also called: Cardiomyopathy, familial hypertrophic, 26. Identifiers: Orphanet 75249, MedGen C4310749, MONDO:0014883, OMIM 617047.
Cardiovascular phenotype. Identifiers: MedGen CN230736.

Allele frequency attached by ClinVar (database versions not stated): gnomAD 0.00001; gnomAD exomes 0.00001; ExAC 0.00002.
gnomAD v4.1: 10 of 1,613,746 alleles (0.00062%); highest among the groups gnomAD compares: Middle Eastern, 0.016%; no homozygotes.

Submissions (3):

Ambry Genetics
Classification: Uncertain significance for Cardiovascular phenotype. Last evaluated: 2025-11-19. Review status: criteria provided, single submitter. Criteria: Ambry Variant Classification Scheme 2023. Collection method: clinical testing. Allele origin: germline.
Comment: The c.6015C>T variant (also known as p.F2005F), located in coding exon 37 of the FLNC gene, results from a C to T substitution at nucleotide position 6015. This nucleotide substitution does not change the phenylalanine at codon 2005. This nucleotide position is not well conserved in available vertebrate species. In silico splice site analysis predicts that this alteration may result in the creation or strengthening of a novel splice acceptor site. Based on the available evidence, the clinical significance of this variant remains unclear.

Labcorp Genetics (formerly Invitae), Labcorp
Classification: Likely benign for Distal myopathy with posterior leg and anterior hand involvement; Myofibrillar myopathy 5; Hypertrophic cardiomyopathy 26. Last evaluated: 2025-10-26. Review status: criteria provided, single submitter. Criteria: Invitae Variant Classification Sherloc (09022015). Collection method: clinical testing. Allele origin: germline.

Blueprint Genetics
Classification: Likely benign. Last evaluated: 2023-11-13. Review status: criteria provided, single submitter. Criteria: ACMG Guidelines, 2015. Collection method: clinical testing. Allele origin: germline.